The following is an entry in ClinVar:

ClinVar aggregate classification (germline): Conflicting classifications of pathogenicity. Review status: criteria provided, conflicting classifications (1 of 4 stars). 3 submissions from 3 submitters: Uncertain significance (1); Likely benign (2). Last evaluated 2026-03-06.

Conditions:
CLDN14-related disorder. Also called: CLDN14-related condition.

Allele frequency attached by ClinVar (database versions not stated): gnomAD 0.00005 and 0.00006; gnomAD exomes 0.00008; ExAC 0.00009; TOPMed 0.00012; 1000 Genomes Project 30x 0.00016; 1000 Genomes Project 0.00020.
gnomAD v4.1: 60 of 1,613,222 alleles (0.0037%); highest among the groups gnomAD compares: East Asian, 0.038%; no homozygotes.

Submissions (3):

PreventionGenetics, part of Exact Sciences
Classification: Likely benign for CLDN14-related condition. Last evaluated: 2026-03-06. Review status: criteria provided, single submitter. Criteria: ACMG Guidelines, 2015. Collection method: clinical testing. Allele origin: germline.
Comment: This variant is classified as likely benign based on ACMG/AMP sequence variant interpretation guidelines (Richards et al. 2015 PMID: 25741868, with internal and published modifications).

Labcorp Genetics (formerly Invitae), Labcorp
Classification: Likely benign. Last evaluated: 2025-06-22. Review status: criteria provided, single submitter. Criteria: Invitae Variant Classification Sherloc (09022015). Collection method: clinical testing. Allele origin: germline.

Laboratory for Molecular Medicine, Mass General Brigham Personalized Medicine
Classification: Uncertain significance. Last evaluated: 2014-07-01. Review status: criteria provided, single submitter. Criteria: LMM Criteria. Collection method: clinical testing. Allele origin: germline. Observed: 1 variant allele.
Comment: The Ser91Ser variant in CLDN14 has not been previously reported in individuals w ith hearing loss and was absent from large population studies. This variant does not alter the amino acid at this position, but computational tools suggest that this variant may introduce a splice site; though this information is not predic tive to determine pathogenicity. In summary, the clinical significance of the Se r91Ser variant is uncertain.

NM_001146079.2(CLDN14):c.273G>A (p.Ser91=)

Genes: CLDN14 (claudin 14; minus strand), CLDN14-AS1 (CLDN14 antisense RNA 1; plus strand). Cytogenetic location: 21q22.13.
Variant type: single nucleotide variant.
Coding change: c.273G>A on transcript NM_001146079.2 (MANE Select); coding-DNA position 273, G replaced by A.
Protein change: p.Ser91=; no amino-acid change (serine 91 retained).
Molecular consequence: synonymous variant.
Genome position (GRCh38, 1-based): chr21:36,461,423, C>T on the plus strand (G>A on the coding strand, the complement: CLDN14 is on the minus strand). VCF-style: chr21-36461423-C-T. GRCh37 (hg19) VCF-style: chr21-37833721-C-T.
Other names: c.273G>A, p.Ser91= (NM_001146077.2, NM_001146078.3, NM_012130.4 and 1 more transcripts).
Identifiers: ClinVar variation 162969 (VCV000162969.13), dbSNP rs577393948, ClinGen allele CA175552.